The following is an entry in ClinVar:

ClinVar aggregate classification (germline): Uncertain significance (1 of 4 stars; one submission).

Conditions:
Infantile hypotonia-oculomotor anomalies-hyperkinetic movements-developmental delay syndrome. Also called: BAKER-GORDON SYNDROME; NEURODEVELOPMENTAL DISORDER WITH INVOLUNTARY MOVEMENT AND ABNORMAL ELECTROENCEPHALOGRAM. Identifiers: Orphanet 522077, MedGen C4748715, MONDO:0033864, OMIM 618218.

Submission:

3billion
Classification: Uncertain significance for Infantile hypotonia-oculomotor anomalies-hyperkinetic movements-developmental delay syndrome. Last evaluated: 2022-01-03. Review status: criteria provided, single submitter. Criteria: ACMG Guidelines, 2015. Collection method: clinical testing. Allele origin: germline. Affected: yes. Observed: 1 heterozygote.
Comment: The variant is located in a well-established functional domain or exonic hotspot, where pathogenic variants have frequently reported (PM1_M). In silico tool predictions suggest damaging effect of the variant on gene or gene product (3CNET: 0.982, PP3_P). A missense variant is a common mechanism associated with Baker-Gordon syndrome (PP2_P). It is not observed in the gnomAD v2.1.1 dataset (PM2_M). Therefore, this variant is classified as uncertain significance according to the recommendation of ACMG/AMP guideline.

NM_005639.3(SYT1):c.1114G>A (p.Asp372Asn)

Gene: SYT1 (synaptotagmin 1; plus strand). Cytogenetic location: 12q21.2.
Variant type: single nucleotide variant.
Coding change: c.1114G>A on transcript NM_005639.3 (MANE Select); coding-DNA position 1114, G replaced by A.
Protein change: p.Asp372Asn; replaces aspartic acid 372 with asparagine.
Molecular consequence: missense variant.
Genome position (GRCh38, 1-based): chr12:79,448,969, G>A. VCF-style: chr12-79448969-G-A. GRCh37 (hg19) VCF-style: chr12-79842749-G-A.
Other names: c.1114G>A, p.Asp372Asn (NM_001135805.2, NM_001135806.2); c.1105G>A, p.Asp369Asn (NM_001291901.2); short protein forms D369N, D372N.
Identifiers: ClinVar variation 1333603 (VCV001333603.1), dbSNP rs2136211984, ClinGen allele CA385931900.